The following is an entry in ClinVar:

ClinVar aggregate classification (germline): Pathogenic/Likely pathogenic. Review status: criteria provided, multiple submitters, no conflicts (2 of 4 stars). 3 submissions from 3 submitters: Pathogenic (1); Likely pathogenic (1). 1 of the submissions does not count toward it. Last evaluated 2022-10-25.

Conditions:
Achromatopsia 2 (ACHM2). Also called: ROD MONOCHROMACY 2; ROD MONOCHROMATISM 2; COLORBLINDNESS, TOTAL. Identifiers: Orphanet 49382, MedGen C1857618, MONDO:0009003, OMIM 216900.
CNGA3-related disorders.

Submissions (3):

Labcorp Genetics (formerly Invitae), Labcorp
Classification: Pathogenic. Last evaluated: 2022-10-25. Review status: criteria provided, single submitter. Criteria: Invitae Variant Classification Sherloc (09022015). Collection method: clinical testing. Allele origin: germline.
Comment: This sequence change creates a premature translational stop signal (p.Ser111*) in the CNGA3 gene. It is expected to result in an absent or disrupted protein product. Loss-of-function variants in CNGA3 are known to be pathogenic (PMID: 14757870, 24903488, 25637600). Information on the frequency of this variant in the gnomAD database is not available, as this variant may be reported differently in the database. This variant has not been reported in the literature in individuals affected with CNGA3-related conditions. ClinVar contains an entry for this variant (Variation ID: 866218). For these reasons, this variant has been classified as Pathogenic.

Blueprint Genetics
Classification: Likely pathogenic for CNGA3-related disorders. Last evaluated: 2018-11-02. Review status: criteria provided, single submitter. Criteria: ACMG Guidelines, 2015. Collection method: clinical testing. Allele origin: germline. Affected: yes. Observed: 1 variant allele.

Molecular Genetics Laboratory, Institute for Ophthalmic Research
Classification: Pathogenic for Achromatopsia 2. Last evaluated: 2021-04-15. Review status: no assertion criteria provided. Collection method: research. Allele origin: germline. Affected: yes. Not counted in ClinVar's aggregate classification.

Literature cited by the submitters: PubMed 14757870 (cited by Labcorp Genetics (formerly Invitae), Labcorp); PubMed 24903488 (cited by Labcorp Genetics (formerly Invitae), Labcorp); PubMed 25637600 (cited by Labcorp Genetics (formerly Invitae), Labcorp).

NM_001298.3(CNGA3):c.332_333delinsAA (p.Ser111Ter)

Gene: CNGA3 (cyclic nucleotide gated channel subunit alpha 3; plus strand). Cytogenetic location: 2q11.2.
Variant type: Indel.
Coding change: c.332_333delinsAA on transcript NM_001298.3 (MANE Select); coding-DNA positions 332 to 333, CC replaced by AA.
Protein change: p.Ser111Ter; replaces serine 111 with a stop codon.
Molecular consequence: nonsense.
Genome position (GRCh38, 1-based): chr2:98,380,291-98,380,292, CC replaced by AA. VCF-style: chr2-98380291-CC-AA. GRCh37 (hg19) VCF-style: chr2-98996754-CC-AA.
Other names: c.332_333delinsAA, p.Ser111Ter (NM_001079878.2); short protein forms S111*.
Identifiers: ClinVar variation 866218 (VCV000866218.10), dbSNP rs1692508715, ClinGen allele CA916082549.
Genomic context (GRCh38, chr2:98,380,291, plus strand): 5'-AGGACCAGGGACCGGACTCTTTTCCTGATCGTTTCCGTGGAGCCGAGCTTAAGGAGGTGT[CC>AA]AGCCAAGAAAGCAATGCCCAGGCAAATGTGGGCAGCCAGGAGCCAGCAGACAGAGGGAGA-3'